The following is an entry in ClinVar:

ClinVar aggregate classification (germline): Uncertain significance (1 of 4 stars; one submission).

Conditions:
Inborn genetic diseases. Identifiers: MedGen C0950123, MeSH D030342.

Submission:

Ambry Genetics
Classification: Uncertain significance for Inborn genetic diseases. Last evaluated: 2024-11-22. Review status: criteria provided, single submitter. Criteria: Ambry Variant Classification Scheme 2023. Collection method: clinical testing. Allele origin: germline.
Comment: The p.I298L variant (also known as c.892A>C), located in coding exon 9 of the DDX41 gene, results from an A to C substitution at nucleotide position 892. The isoleucine at codon 298 is replaced by leucine, an amino acid with highly similar properties. This amino acid position is conserved. In addition, this alteration is predicted to be tolerated by in silico analysis. Based on the available evidence, the clinical significance of this variant remains unclear.

NM_016222.4(DDX41):c.892A>C (p.Ile298Leu)

Gene: DDX41 (DEAD-box helicase 41; minus strand). Cytogenetic location: 5q35.3.
Variant type: single nucleotide variant.
Coding change: c.892A>C on transcript NM_016222.4 (MANE Select); coding-DNA position 892, A replaced by C.
Protein change: p.Ile298Leu; replaces isoleucine 298 with leucine.
Molecular consequence: missense variant.
Genome position (GRCh38, 1-based): chr5:177,514,744, T>G on the plus strand (A>C on the coding strand, the complement: DDX41 is on the minus strand). VCF-style: chr5-177514744-T-G. GRCh37 (hg19) VCF-style: chr5-176941745-T-G.
Other names: c.514A>C, p.Ile172Leu (NM_001321732.2, NM_001321830.2); short protein forms I298L, I172L.
Identifiers: ClinVar variation 3500518 (VCV003500518.1).